The following is an entry in ClinVar:

ClinVar aggregate classification (germline): Uncertain significance (1 of 4 stars; one submission).

Conditions:
Dyskeratosis congenita. Identifiers: Orphanet 1775, MedGen C0265965, MONDO:0015780.

Submission:

Ambry Genetics
Classification: Uncertain significance for Dyskeratosis congenita. Last evaluated: 2025-05-31. Review status: criteria provided, single submitter. Criteria: Ambry Variant Classification Scheme 2023. Collection method: clinical testing. Allele origin: germline.
Comment: The p.R515P variant (also known as c.1544G>C), located in coding exon 2 of the TERT gene, results from a G to C substitution at nucleotide position 1544. The arginine at codon 515 is replaced by proline, an amino acid with dissimilar properties. This amino acid position is conserved. In addition, this alteration is predicted to be tolerated by in silico analysis. Based on the available evidence, the clinical significance of this variant remains unclear.

NM_198253.3(TERT):c.1544G>C (p.Arg515Pro)

Gene: TERT (telomerase reverse transcriptase; minus strand). Cytogenetic location: 5p15.33.
Variant type: single nucleotide variant.
Coding change: c.1544G>C on transcript NM_198253.3 (MANE Select); coding-DNA position 1544, G replaced by C.
Protein change: p.Arg515Pro; replaces arginine 515 with proline.
Molecular consequence: missense variant. On other transcripts: non-coding transcript variant (2).
Genome position (GRCh38, 1-based): chr5:1,293,342, C>G on the plus strand (G>C on the coding strand, the complement: TERT is on the minus strand). VCF-style: chr5-1293342-C-G. GRCh37 (hg19) VCF-style: chr5-1293457-C-G.
Other names: c.1544G>C, p.Arg515Pro (NM_001193376.3); short protein forms R515P.
Identifiers: ClinVar variation 3967381 (VCV003967381.1).